The following is an entry in ClinVar:

ClinVar aggregate classification (germline): Conflicting classifications of pathogenicity. Review status: criteria provided, conflicting classifications (1 of 4 stars). 3 submissions from 3 submitters: Uncertain significance (2); Likely benign (1). Last evaluated 2025-08-24.

Conditions:
Cardiovascular phenotype. Identifiers: MedGen CN230736.
Long QT syndrome (LQTS). Identifiers: MedGen C0023976, MeSH D008133, MONDO:0002442. Disease mechanism: loss of function. Inheritance: Various modes of inheritance.

Allele frequency attached by ClinVar (database versions not stated): TOPMed below 0.00001; gnomAD 0.00001; gnomAD exomes 0.00003 and 0.00004; ESP Exome Variant Server 0.00008; ExAC 0.00010.
gnomAD v4.1: 39 of 1,613,620 alleles (0.0024%); highest among the groups gnomAD compares: Non-Finnish European, 0.0031%; no homozygotes.

Submissions (3):

Labcorp Genetics (formerly Invitae), Labcorp
Classification: Uncertain significance for Long QT syndrome. Last evaluated: 2025-08-24. Review status: criteria provided, single submitter. Criteria: Invitae Variant Classification Sherloc (09022015). Collection method: clinical testing. Allele origin: germline.
Comment: This sequence change replaces methionine, which is neutral and non-polar, with valine, which is neutral and non-polar, at codon 3649 of the ANK2 protein (p.Met3649Val). This variant is present in population databases (rs145856327, gnomAD 0.01%). This variant has not been reported in the literature in individuals affected with ANK2-related conditions. ClinVar contains an entry for this variant (Variation ID: 424390). Invitae Evidence Modeling of protein sequence and biophysical properties (such as structural, functional, and spatial information, amino acid conservation, physicochemical variation, residue mobility, and thermodynamic stability) indicates that this missense variant is not expected to disrupt ANK2 protein function with a negative predictive value of 80%. In summary, the available evidence is currently insufficient to determine the role of this variant in disease. Therefore, it has been classified as a Variant of Uncertain Significance.

Ambry Genetics
Classification: Likely benign for Cardiovascular phenotype. Last evaluated: 2023-09-14. Review status: criteria provided, single submitter. Criteria: Ambry Variant Classification Scheme 2023. Collection method: clinical testing. Allele origin: germline.

GeneDx
Classification: Uncertain significance. Last evaluated: 2017-03-16. Review status: criteria provided, single submitter. Criteria: GeneDx Variant Classification (06012015). Collection method: clinical testing. Allele origin: germline. Affected: yes.
Comment: The M3649V variant of uncertain significance in the ANK2 gene has not been published as pathogenic or benign to our knowledge. This variant is a conservative amino acid substitution, which is not likely to impact secondary protein structure as these residues share similar properties. This substitution also occurs at a position where amino acids with similar properties to methionine are tolerated across species, although valine is not tolerated at this position in lower species. In silico analysis is inconsistent in its predictions as to whether or not M3649V is damaging to the protein structure/function. Lastly, M3649V is not observed at a significant frequency in large population cohorts (Lek et al., 2016; 1000 Genomes Consortium et al., 2015; Exome Variant Server).Therefore, based on the currently available information, it is unclear whether this variant is pathogenic or rare benign.

NM_001148.6(ANK2):c.10945A>G (p.Met3649Val)

Gene: ANK2 (ankyrin 2; plus strand). Cytogenetic location: 4q26.
Variant type: single nucleotide variant.
Coding change: c.10945A>G on transcript NM_001148.6 (MANE Select); coding-DNA position 10945, A replaced by G.
Protein change: p.Met3649Val; replaces methionine 3649 with valine.
Molecular consequence: missense variant.
Genome position (GRCh38, 1-based): chr4:113,365,095, A>G. VCF-style: chr4-113365095-A-G. GRCh37 (hg19) VCF-style: chr4-114286251-A-G.
Other names: c.4663A>G, p.Met1555Val (NM_001127493.3); c.4702A>G, p.Met1568Val (NM_001354225.2); c.4591A>G, p.Met1531Val (NM_001354228.2, NM_001354258.2); c.4669A>G, p.Met1557Val (NM_001354230.2); c.4732A>G, p.Met1578Val (NM_001354231.2, NM_001354242.2); c.4726A>G, p.Met1576Val (NM_001354232.2); c.4687A>G, p.Met1563Val (NM_001354235.2, NM_001354246.2, NM_001354265.2); c.4588A>G, p.Met1530Val (NM_001354236.2); and 35 more; short protein forms M1555V, M3649V, M1554V, M1564V, M1578V, M1590V, M740V, M1477V.
Identifiers: ClinVar variation 424390 (VCV000424390.8), dbSNP rs145856327, ClinGen allele CA3052169.